The following is an entry in ClinVar:

NM_031443.4(CCM2):c.330T>A (p.Asp110Glu)

Gene: CCM2 (CCM2 scaffold protein; plus strand). Cytogenetic location: 7p13.
Variant type: single nucleotide variant.
Coding change: c.330T>A on transcript NM_031443.4 (MANE Select); coding-DNA position 330, T replaced by A.
Protein change: p.Asp110Glu; replaces aspartic acid 110 with glutamic acid.
Molecular consequence: missense variant. On other transcripts: non-coding transcript variant (1).
Genome position (GRCh38, 1-based): chr7:45,064,504, T>A. VCF-style: chr7-45064504-T-A. GRCh37 (hg19) VCF-style: chr7-45104103-T-A.
Other names: p.Asp110Glu; c.393T>A, p.Asp131Glu (NM_001029835.2); c.156T>A, p.Asp52Glu (NM_001167934.2, NM_001363459.2); c.330T>A, p.Asp110Glu (NM_001167935.2, NM_001363458.2); short protein forms D110E, D52E, D131E.
Identifiers: ClinVar variation 4541287 (VCV004541287.2).

ClinVar aggregate classification (germline): Uncertain significance. Review status: criteria provided, multiple submitters, no conflicts (2 of 4 stars). 2 submissions from 2 submitters: Uncertain significance (2). Last evaluated 2026-02-04.

Submissions (2):

GeneDx
Classification: Uncertain significance. Last evaluated: 2026-02-04. Review status: criteria provided, single submitter. Criteria: GeneDx Variant Classification Process June 2021. Collection method: clinical testing. Allele origin: germline.
Comment: Not observed at significant frequency in large population cohorts (gnomAD); In silico analysis supports that this missense variant has a deleterious effect on protein structure/function; Has not been previously published as pathogenic or benign to our knowledge

Mayo Clinic Laboratories, Mayo Clinic
Classification: Uncertain significance. Last evaluated: 2025-03-17. Review status: criteria provided, single submitter. Criteria: ACMG Guidelines, 2015. Collection method: clinical testing. Allele origin: germline. Observed: 1 variant allele.
Comment: BP4, PM2_supporting